The following is an entry in ClinVar:

ClinVar aggregate classification (germline): Uncertain significance (1 of 4 stars; one submission).

Submission:

Mayo Clinic Laboratories, Mayo Clinic
Classification: Uncertain significance. Last evaluated: 2025-12-11. Review status: criteria provided, single submitter. Criteria: ACMG Guidelines, 2015. Collection method: clinical testing. Allele origin: germline. Observed: 1 variant allele.
Comment: BP3, PM2_supporting

NM_001163809.2(WDR81):c.3468GGA[3] (p.Glu1159del)

Gene: WDR81 (WD repeat domain 81; plus strand). Cytogenetic location: 17p13.3.
Variant type: Microsatellite.
Coding change: c.3468GGA[3] on transcript NM_001163809.2 (MANE Select); three copies in a row of the 3-base unit GGA starting at c.3468; the reference has four copies in a row; one copy, 3 bases deleted.
Protein change: p.Glu1159del; deletes glutamic acid 1159.
Molecular consequence: inframe deletion. On other transcripts: intron variant (2).
Genome position (GRCh38, 1-based): chr17:1,728,436-1,728,438, GGA deleted; deleting any 3 consecutive bases within chr17:1,728,425-1,728,438 gives the same sequence; the position shown is the placement nearest the transcript's 3' end. VCF-style (leftmost placement, unchanged base first): chr17-1728424-AGAG-A. GRCh37 (hg19) VCF-style: chr17-1631718-AGAG-A.
Other names: p.Glu1159del; c.315GGA[3], p.Glu108del (NM_152348.4); c.59-1955GAG[3] (NM_001163673.2); c.-14-1955GAG[3] (NM_001163811.2); short protein forms E1159del, E108del.
Identifiers: ClinVar variation 4542109 (VCV004542109.1).